The following is an entry in ClinVar:

ClinVar aggregate classification (germline): Likely benign. Review status: criteria provided, multiple submitters, no conflicts (2 of 4 stars). 5 submissions from 5 submitters: Likely benign (5). Last evaluated 2025-10-06.

Conditions:
Hereditary cancer-predisposing syndrome. Also called: Tumor predisposition; Hereditary Cancer Syndrome; Neoplastic Syndromes, Hereditary; Hereditary neoplastic syndrome. Identifiers: Orphanet 140162, MedGen C0027672, MeSH D009386, MONDO:0015356.

Allele frequency attached by ClinVar (database versions not stated): ExAC 0.00002; gnomAD 0.00002 and 0.00003; gnomAD exomes 0.00002.
gnomAD v4.1: 33 of 1,613,984 alleles (0.002%); highest among the groups gnomAD compares: African/African-American, 0.0053%; no homozygotes.

Submissions (5):

Labcorp Genetics (formerly Invitae), Labcorp
Classification: Likely benign. Last evaluated: 2025-10-06. Review status: criteria provided, single submitter. Criteria: Invitae Variant Classification Sherloc (09022015). Collection method: clinical testing. Allele origin: germline.

CeGaT Center for Human Genetics Tuebingen
Classification: Likely benign. Last evaluated: 2025-04-01. Review status: criteria provided, single submitter. Criteria: CeGaT Center For Human Genetics Tuebingen Variant Classification Criteria Version 2. Collection method: clinical testing. Allele origin: germline. Affected: yes. Observed: 3 variant alleles.
Comment: POLE: BP4, BP7

Blueprint Genetics
Classification: Likely benign. Last evaluated: 2024-11-04. Review status: criteria provided, single submitter. Criteria: ACMG Guidelines, 2015. Collection method: clinical testing. Allele origin: germline.

GeneDx
Classification: Likely benign. Last evaluated: 2020-12-18. Review status: criteria provided, single submitter. Criteria: GeneDx Variant Classification Process June 2021. Collection method: clinical testing. Allele origin: germline. Affected: yes.

Ambry Genetics
Classification: Likely benign for Hereditary cancer-predisposing syndrome. Last evaluated: 2015-07-16. Review status: criteria provided, single submitter. Criteria: Ambry Variant Classification Scheme 2023. Collection method: clinical testing. Allele origin: germline.

NM_006231.4(POLE):c.3441C>T (p.Ile1147=)

Gene: POLE (DNA polymerase epsilon, catalytic subunit; minus strand). Cytogenetic location: 12q24.33.
Variant type: single nucleotide variant.
Coding change: c.3441C>T on transcript NM_006231.4 (MANE Select); coding-DNA position 3441, C replaced by T.
Protein change: p.Ile1147=; no amino-acid change (isoleucine 1147 retained).
Molecular consequence: synonymous variant.
Genome position (GRCh38, 1-based): chr12:132,657,367, G>A on the plus strand (C>T on the coding strand, the complement: POLE is on the minus strand). VCF-style: chr12-132657367-G-A. GRCh37 (hg19) VCF-style: chr12-133233953-G-A.
Identifiers: ClinVar variation 240468 (VCV000240468.42), dbSNP rs748278223, ClinGen allele CA6893233.
Genomic context (GRCh38, chr12:132,657,367, plus strand): 5'-AGTTTTTAGCCCCACAGCCCGTGCCACTGACCCCGCCCTTACCTGCTGCAGGGCCGCAGG[G>A]ATGGTGATGATCTTCTGGATGGCGCTTCCCAGCCGCTCAATGTAGTAGTCCCAATCCAGA-3'
Protein context (NP_006222.2, residues 1137-1157): LGSAIQKIIT[Ile1147=]PAALQQVKNP